The following is an entry in ClinVar:

NC_000019.10:g.917254G>A

Genes: KISS1R (KISS1 receptor; plus strand), LOC130062852 (ATAC-STARR-seq lymphoblastoid silent region 9629; plus strand). Cytogenetic location: 19p13.3.
Variant type: single nucleotide variant.
Genome position: GRCh38 VCF-style: chr19-917254-G-A. GRCh37 (hg19) VCF-style: chr19-917254-G-A.
Identifiers: ClinVar variation 3024692 (VCV003024692.22), dbSNP rs34134744, ClinGen allele CA303953178.

ClinVar aggregate classification (germline): Likely benign (1 of 4 stars; one submission).

Allele frequency attached by ClinVar (database versions not stated): 1000 Genomes Project 0.00379; 1000 Genomes Project 30x 0.00437; gnomAD 0.00524; TOPMed 0.00595; gnomAD exomes 0.00598.

Submission:

CeGaT Center for Human Genetics Tuebingen
Classification: Likely benign. Last evaluated: 2026-04-01. Review status: criteria provided, single submitter. Criteria: CeGaT Center For Human Genetics Tuebingen Variant Classification Criteria Version 2. Collection method: clinical testing. Allele origin: germline. Affected: yes. Observed: 5 variant alleles.
Comment: KISS1R: BS2